The following is an entry in ClinVar:

NM_003119.4(SPG7):c.1972G>A (p.Ala658Thr)

Gene: SPG7 (SPG7 matrix AAA peptidase subunit, paraplegin; plus strand). Cytogenetic location: 16q24.3.
Variant type: single nucleotide variant.
Coding change: c.1972G>A on transcript NM_003119.4 (MANE Select); coding-DNA position 1972, G replaced by A.
Protein change: p.Ala658Thr; replaces alanine 658 with threonine.
Molecular consequence: missense variant.
Genome position (GRCh38, 1-based): chr16:89,553,829, G>A. VCF-style: chr16-89553829-G-A. GRCh37 (hg19) VCF-style: chr16-89620237-G-A.
Other names: c.1972G>A, p.Ala658Thr (NM_001363850.1); short protein forms A658T.
Identifiers: ClinVar variation 1027421 (VCV001027421.6), dbSNP rs2058661391, ClinGen allele CA397433768.

ClinVar aggregate classification (germline): Conflicting classifications of pathogenicity. Review status: criteria provided, conflicting classifications (1 of 4 stars). 5 submissions from 5 submitters: Likely pathogenic (4); Uncertain significance (1). Last evaluated 2025-09-26.

Conditions:
Hereditary spastic paraplegia 7 (SPG7). Also called: SPASTIC PARAPLEGIA 7, AUTOSOMAL RECESSIVE, WITH OR WITHOUT CEREBELLAR ATAXIA; Spastic paraplegia 7; Hereditary spastic paraplegia Paraplegin type; Autosomal recessive spastic paraplegia type 7; SPG7-related neurologic disorder. Identifiers: Orphanet 99013, MedGen C1846564, MONDO:0011803, OMIM 607259.

Allele frequency attached by ClinVar (database versions not stated): gnomAD 0.00001; gnomAD exomes 0.00001.
gnomAD v4.1: 13 of 1,613,414 alleles (0.00081%); highest among the groups gnomAD compares: South Asian, 0.0011%; no homozygotes.

Submissions (5):

Labcorp Genetics (formerly Invitae), Labcorp
Classification: Likely pathogenic for Hereditary spastic paraplegia 7. Last evaluated: 2025-09-26. Review status: criteria provided, single submitter. Criteria: Invitae Variant Classification Sherloc (09022015). Collection method: clinical testing. Allele origin: germline.
Comment: This sequence change replaces alanine, which is neutral and non-polar, with threonine, which is neutral and polar, at codon 658 of the SPG7 protein (p.Ala658Thr). This variant is not present in population databases (gnomAD no frequency). This missense change has been observed in individuals with autosomal recessive hereditary spastic paraplegia (PMID: 29482223, 30098094; internal data). ClinVar contains an entry for this variant (Variation ID: 1027421). Invitae Evidence Modeling of protein sequence and biophysical properties (such as structural, functional, and spatial information, amino acid conservation, physicochemical variation, residue mobility, and thermodynamic stability) indicates that this missense variant is not expected to disrupt SPG7 protein function with a negative predictive value of 80%. In summary, the currently available evidence indicates that the variant is pathogenic, but additional data are needed to prove that conclusively. Therefore, this variant has been classified as Likely Pathogenic.

Fulgent Genetics
Classification: Likely pathogenic for Hereditary spastic paraplegia 7. Last evaluated: 2024-03-11. Review status: criteria provided, single submitter. Criteria: ACMG Guidelines, 2015. Collection method: clinical testing. Allele origin: germline.

PROSPAX: an integrated multimodal progression  chart in spastic ataxias, Center for Neurology; Hertie-Institute for Clinical Brain Research
Classification: Likely pathogenic for Hereditary spastic paraplegia 7. Last evaluated: 2022-01-01. Review status: criteria provided, single submitter. Criteria: ACMG Guidelines, 2015. Collection method: research. Allele origin: germline. Affected: yes. Observed: 3 variant alleles, 1 compound heterozygote, 2 homozygotes.

Molecular Medicine for Neurodegenerative and Neuromuscular Diseases Unit, IRCCS Fondazione Stella Maris
Classification: Likely pathogenic for Hereditary spastic paraplegia 7. Last evaluated: 2021-07-12. Review status: criteria provided, single submitter. Criteria: ACMG Guidelines, 2015. Collection method: research. Allele origin: unknown. Affected: yes.

MGZ Medical Genetics Center
Classification: Uncertain significance for Hereditary spastic paraplegia 7. Last evaluated: 2021-07-06. Review status: criteria provided, single submitter. Criteria: ACMG Guidelines, 2015. Collection method: clinical testing. Allele origin: germline. Affected: yes. Observed: 1 variant allele.
Comment: ACMG criteria applied: PM3, PM2_SUP, PP3

Literature cited by the submitters: PubMed 29482223 (cited by Labcorp Genetics (formerly Invitae), Labcorp); PubMed 30098094 (cited by Labcorp Genetics (formerly Invitae), Labcorp).